The following is an entry in ClinVar:

ClinVar aggregate classification (germline): Benign/Likely benign. Review status: criteria provided, multiple submitters, no conflicts (2 of 4 stars). 3 submissions from 3 submitters: Benign (1); Likely benign (2). Last evaluated 2025-04-06.

Conditions:
Hereditary cancer-predisposing syndrome. Also called: Hereditary Cancer Syndrome; Hereditary neoplastic syndrome; Tumor predisposition; Neoplastic Syndromes, Hereditary. Identifiers: Orphanet 140162, MedGen C0027672, MeSH D009386, MONDO:0015356.
Breast-ovarian cancer, familial, susceptibility to, 4. Identifiers: Orphanet 145, MedGen C3280345, MONDO:0013669, OMIM 614291.

Submissions (3):

Color Diagnostics, LLC DBA Color Health
Classification: Likely benign for Hereditary cancer-predisposing syndrome. Last evaluated: 2025-04-06. Review status: criteria provided, single submitter. Criteria: ACMG Guidelines, 2015. Collection method: clinical testing. Allele origin: germline.

Myriad Genetics, Inc.
Classification: Benign for Breast-ovarian cancer, familial, susceptibility to, 4. Last evaluated: 2025-02-24. Review status: criteria provided, single submitter. Criteria: Myriad Autosomal Dominant, Autosomal Recessive and X-Linked Classification Criteria (2023). Collection method: clinical testing. Allele origin: unknown.
Comment: This variant is considered benign. This variant is a silent/synonymous amino acid change and it is not expected to impact splicing.

Labcorp Genetics (formerly Invitae), Labcorp
Classification: Likely benign for Breast-ovarian cancer, familial, susceptibility to, 4. Last evaluated: 2023-12-10. Review status: criteria provided, single submitter. Criteria: Invitae Variant Classification Sherloc (09022015). Collection method: clinical testing. Allele origin: germline.

NM_002878.4(RAD51D):c.837C>T (p.Asp279=)

Genes: RAD51D (RAD51 paralog D; minus strand), RAD51L3-RFFL (RAD51L3-RFFL readthrough; minus strand). Cytogenetic location: 17q12.
Variant type: single nucleotide variant.
Coding change: c.837C>T on transcript NM_002878.4 (MANE Select); coding-DNA position 837, C replaced by T.
Protein change: p.Asp279=; no amino-acid change (aspartic acid 279 retained).
Molecular consequence: synonymous variant. On other transcripts: non-coding transcript variant (3).
Genome position (GRCh38, 1-based): chr17:35,101,267, G>A on the plus strand (C>T on the coding strand, the complement: RAD51D is on the minus strand). VCF-style: chr17-35101267-G-A. GRCh37 (hg19) VCF-style: chr17-33428286-G-A.
Other names: c.897C>T, p.Asp299= (NM_001142571.2); c.501C>T, p.Asp167= (NM_133629.3).
Identifiers: ClinVar variation 1081714 (VCV001081714.9), dbSNP rs2142411560, ClinGen allele CA499728769.
Genomic context (GRCh38, chr17:35,101,267, plus strand): 5'-GGAAGATTTGGCCAGACACGCCATGCGCCGGCCGCCTGATGCTCCTGCTCCCTCGATGGT[G>A]TCCAGGAGAATCCGAGTGCTGGGCACAAAGCTCCAGGAGCGTCCGAGGGCAGGTTTGAGC-3'
Protein context (NP_002869.3, residues 269-289): SFVPSTRILL[Asp279=]TIEGAGASGG